The following is an entry in ClinVar:

ClinVar aggregate classification (germline): Uncertain significance (1 of 4 stars; one submission).

Conditions:
Cardiovascular phenotype. Identifiers: MedGen CN230736.

Submission:

Ambry Genetics
Classification: Uncertain significance for Cardiovascular phenotype. Last evaluated: 2019-08-20. Review status: criteria provided, single submitter. Criteria: Ambry Variant Classification Scheme 2023. Collection method: clinical testing. Allele origin: germline.
Comment: The c.773_775delAAG variant (also known as p.E258del) is located in coding exon 6 of the LAMA4 gene. This variant results from an in-frame AAG deletion at nucleotide positions 773 to 775. This results in the in-frame deletion of a glutamic acid at codon 258. This amino acid position is well conserved in available vertebrate species. In addition, this alteration is predicted to be neutral by in silico analysis (Choi Y et al. PLoS ONE. 2012; 7(10):e46688). Since supporting evidence is limited at this time, the clinical significance of this alteration remains unclear.

NM_001105206.3(LAMA4):c.770AAG[1] (p.Glu258del)

Gene: LAMA4 (laminin subunit alpha 4; minus strand). Cytogenetic location: 6q21.
Variant type: Microsatellite.
Coding change: c.770AAG[1] on transcript NM_001105206.3 (MANE Select); one copy of the 3-base unit AAG starting at c.770; the reference has two copies in a row; one copy, 3 bases deleted.
Protein change: p.Glu258del; deletes glutamic acid 258.
Molecular consequence: inframe deletion. On other transcripts: inframe indel (2).
Genome position (GRCh38, 1-based): chr6:112,189,149-112,189,151, CTT deleted on the plus strand (AAG on the coding strand, the reverse complement: LAMA4 is on the minus strand); deleting any 3 consecutive bases within chr6:112,189,149-112,189,155 gives the same sequence; the position shown is the placement nearest the transcript's 3' end. VCF-style (leftmost placement, unchanged base first): chr6-112189148-CCTT-C. GRCh37 (hg19) VCF-style: chr6-112510350-CCTT-C.
Other names: c.770AAG[1], p.Glu258del (NM_001105207.3, NM_002290.5); c.769_771GAA[1], p.Glu258del (NM_002290.3); c.773_775delAAG (NM_002290.3); short protein forms E258del.
Identifiers: ClinVar variation 1760358 (VCV001760358.2), dbSNP rs782474127, ClinGen allele CA3966049.